The following is an entry in ClinVar:

NM_001283009.2(RTEL1):c.1753C>G (p.Leu585Val)

Genes: RTEL1 (regulator of telomere elongation helicase 1; plus strand), RTEL1-TNFRSF6B (RTEL1-TNFRSF6B readthrough (NMD candidate); plus strand). Cytogenetic location: 20q13.33.
Variant type: single nucleotide variant.
Coding change: c.1753C>G on transcript NM_001283009.2 (MANE Select); coding-DNA position 1753, C replaced by G.
Protein change: p.Leu585Val; replaces leucine 585 with valine.
Molecular consequence: missense variant. On other transcripts: non-coding transcript variant (1).
Genome position (GRCh38, 1-based): chr20:63,688,558, C>G. VCF-style: chr20-63688558-C-G. GRCh37 (hg19) VCF-style: chr20-62319911-C-G.
Other names: c.1084C>G, p.Leu362Val (NM_001283010.1); c.1753C>G, p.Leu585Val (NM_016434.4); c.1825C>G, p.Leu609Val (NM_032957.5); short protein forms L362V, L585V, L609V.
Identifiers: ClinVar variation 2663267 (VCV002663267.2), dbSNP rs1347654093, ClinGen allele CA409678036.

ClinVar aggregate classification (germline): Uncertain significance. Review status: criteria provided, multiple submitters, no conflicts (2 of 4 stars). 2 submissions from 2 submitters: Uncertain significance (2). Last evaluated 2025-01-03.

Conditions:
Inborn genetic diseases. Identifiers: MedGen C0950123, MeSH D030342.

Allele frequency attached by ClinVar (database versions not stated): gnomAD 0.00001.
gnomAD v4.1: 6 of 1,610,378 alleles (0.00037%); highest among the groups gnomAD compares: Non-Finnish European, 0.00042%; no homozygotes.

Submissions (2):

Ambry Genetics
Classification: Uncertain significance for Inborn genetic diseases. Last evaluated: 2025-01-03. Review status: criteria provided, single submitter. Criteria: Ambry Variant Classification Scheme 2023. Collection method: clinical testing. Allele origin: germline.
Comment: The p.L585V variant (also known as c.1753C>G), located in coding exon 20 of the RTEL1 gene, results from a C to G substitution at nucleotide position 1753. The leucine at codon 585 is replaced by valine, an amino acid with highly similar properties. This amino acid position is conserved. In addition, this alteration is predicted to be tolerated by in silico analysis. Based on the available evidence, the clinical significance of this variant remains unclear.

GeneDx
Classification: Uncertain significance. Last evaluated: 2023-05-03. Review status: criteria provided, single submitter. Criteria: GeneDx Variant Classification Process June 2021. Collection method: clinical testing. Allele origin: germline. Affected: yes.
Comment: Not observed at significant frequency in large population cohorts (gnomAD); In silico analysis supports that this missense variant does not alter protein structure/function; Has not been previously published as pathogenic or benign to our knowledge